The following is an entry in ClinVar:

ClinVar aggregate classification (germline): Conflicting classifications of pathogenicity. Review status: criteria provided, conflicting classifications (1 of 4 stars). 15 submissions from 15 submitters: Uncertain significance (8); Benign (1); Likely benign (4). 2 of the submissions do not count toward it. Last evaluated 2026-06-12.

Conditions:
BRCA1-related disorder. Also called: BRCA1-related condition.
Breast-ovarian cancer, familial, susceptibility to, 1 (BROVCA1). Also called: OVARIAN CANCER, SUSCEPTIBILITY TO; BRCA1 Hereditary Breast and Ovarian Cancer. Identifiers: Orphanet 145, MedGen C2676676, MONDO:0011450, OMIM 604370. Disease mechanism: loss of function.
Pancreatic cancer, susceptibility to, 4. Identifiers: Orphanet 1333, MedGen C3280442, MONDO:0013685, OMIM 614320.
Fanconi anemia, complementation group S (FANCS). Identifiers: MedGen C4554406, MONDO:0054748, OMIM 617883.
Breast and/or ovarian cancer. Identifiers: MedGen CN221562.
Hereditary cancer-predisposing syndrome. Also called: Tumor predisposition; Neoplastic Syndromes, Hereditary; Hereditary Cancer Syndrome; Hereditary neoplastic syndrome. Identifiers: Orphanet 140162, MedGen C0027672, MeSH D009386, MONDO:0015356.
Hereditary breast ovarian cancer syndrome. Also called: Hereditary breast and ovarian cancer syndrome (HBOC); Hereditary breast and ovarian cancer syndrome; Hereditary breast and ovarian cancer; Hereditary breast and/or ovarian cancer syndrome; Breast and ovarian cancer; BRCA1- and BRCA2-Associated Hereditary Breast and Ovarian Cancer. Identifiers: Orphanet 145, MedGen C0677776, MeSH D061325, MONDO:0003582. Disease mechanism: loss of function.

Allele frequency attached by ClinVar (database versions not stated): gnomAD exomes below 0.00001; TOPMed below 0.00001.

Submissions (15):

PreventionGenetics, part of Exact Sciences
Classification: Uncertain significance for BRCA1-related condition. Last evaluated: 2026-06-12. Review status: criteria provided, single submitter. Criteria: ACMG Guidelines, 2015. Collection method: clinical testing. Allele origin: germline.
Comment: The BRCA1 c.1405G>A variant is predicted to result in the amino acid substitution p.Ala469Thr. This variant has been reported in an individual with personal and family history of breast cancer (Table S4, Bhai et al. 2021. PubMed ID: 34326862). This variant occurs within a region of the BRCA1 gene that is predicted to be tolerant to missense variation (Table 2, Dines et al. 2020. PubMed ID: 31911673). It has not been reported in a large population database (gnomAD), indicating it is rare. This variant has conflicting interpretations in ClinVar, ranging from uncertain significance to likely benign and benign (Variation ID: 37411). At this time, the clinical significance of this variant is uncertain due to the absence of conclusive functional and genetic evidence.

Center for Genomic Medicine, Rigshospitalet, Copenhagen University Hospital
Classification: Likely benign. Last evaluated: 2025-12-29. Review status: criteria provided, single submitter. Criteria: ACMG Guidelines, 2015. Collection method: clinical testing. Allele origin: germline.
Comment: Classification criteria: BP1_strong

Labcorp Genetics (formerly Invitae), Labcorp
Classification: Benign for Hereditary breast ovarian cancer syndrome. Last evaluated: 2025-11-26. Review status: criteria provided, single submitter. Criteria: Invitae Variant Classification Sherloc (09022015). Collection method: clinical testing. Allele origin: germline.

Quest Diagnostics Nichols Institute San Juan Capistrano
Classification: Uncertain significance. Last evaluated: 2025-04-25. Review status: criteria provided, single submitter. Criteria: Quest Diagnostics criteria. Collection method: clinical testing. Allele origin: unknown.
Comment: The BRCA1 c.1405G>A (p.Ala469Thr) variant has been reported in the published literature in at least one individual with breast cancer (PMID: 34326862 (2021)) as well as a reportedly unaffected individual (PMID: 30287823 (2018))), and is described to be located in a region of the BRCA1 gene that is tolerant to missense sequence changes (PMID: 31911673 (2020)). This variant has not been reported in large, multi-ethnic general populations (Genome Aggregation Database). Analysis of this variant using bioinformatics tools for the prediction of the effect of amino acid changes on protein structure and function yielded predictions that this variant is benign. Based on the available information, we are unable to determine the clinical significance of this variant.

Ambry Genetics
Classification: Uncertain significance for Hereditary cancer-predisposing syndrome. Last evaluated: 2024-08-23. Review status: criteria provided, single submitter. Criteria: Ambry Variant Classification Scheme 2023. Collection method: clinical testing. Allele origin: germline.
Comment: The p.A469T variant (also known as c.1405G>A), located in coding exon 9 of the BRCA1 gene, results from a G to A substitution at nucleotide position 1405. The alanine at codon 469 is replaced by threonine, an amino acid with similar properties. This amino acid position is not well conserved in available vertebrate species. In addition, the in silico prediction for this alteration is inconclusive. Based on the available evidence, the clinical significance of this variant remains unclear.

Molecular Pathology, Peter Maccallum Cancer Centre
Classification: Likely benign for Breast-ovarian cancer, familial, susceptibility to, 1. Last evaluated: 2024-04-04. Review status: criteria provided, single submitter. Criteria: ACMG Guidelines, 2015. Collection method: clinical testing. Allele origin: germline. Inheritance: Autosomal dominant inheritance.

Fulgent Genetics
Classification: Uncertain significance for Breast-ovarian cancer, familial, susceptibility to, 1; Pancreatic cancer, susceptibility to, 4; Fanconi anemia, complementation group S. Last evaluated: 2024-03-13. Review status: criteria provided, single submitter. Criteria: ACMG Guidelines, 2015. Collection method: clinical testing. Allele origin: germline.

University of Washington Department of Laboratory Medicine, University of Washington
Classification: Likely benign for Hereditary cancer-predisposing syndrome. Last evaluated: 2023-03-23. Review status: criteria provided, single submitter. Criteria: Dines et al. (Genet Med. 2020). Collection method: curation. Allele origin: germline.
Comment: Missense variant in a coldspot region where missense variants are very unlikely to be pathogenic (PMID:31911673).

BRCA1 coldspot (exon 11 using historical exon numbering). Reclassification based on statistical prior probability

Sema4
Classification: Uncertain significance for Hereditary cancer-predisposing syndrome. Last evaluated: 2021-11-16. Review status: criteria provided, single submitter. Criteria: Sema4 Curation Guidelines. Collection method: curation. Allele origin: germline.
Comment: The BRCA1 c.1405G>A (p.A469T) variant has not been reported in the literature to our knowledge. The variant was not observed in the large and broad cohorts of the Genome Aggregation Database (PMID: 32461654), but it has been reported in ClinVar (Variation ID 37411). In silico tools suggest the impact of the variant on protein function is inconclusive, though these predictions have not been confirmed by functional studies. The evidence is insufficient to meet ACMG/AMP criteria for classifying the variant as benign or pathogenic. Thus, the clinical significance of this variant is currently uncertain.

CHEO Genetics Diagnostic Laboratory, Children's Hospital of Eastern Ontario
Classification: Uncertain significance for Breast and/or ovarian cancer. Last evaluated: 2021-10-20. Review status: criteria provided, single submitter. Criteria: ACMG Guidelines, 2015. Collection method: clinical testing. Allele origin: germline.

Women's Health and Genetics/Laboratory Corporation of America, LabCorp
Classification: Uncertain significance. Last evaluated: 2020-11-02. Review status: criteria provided, single submitter. Criteria: LabCorp Variant Classification Summary - May 2015. Collection method: clinical testing. Allele origin: germline.
Comment: Variant summary: BRCA1 c.1405G>A (p.Ala469Thr) results in a non-conservative amino acid change located in the BRCA1, serine-rich domain of the encoded protein sequence. Four of five in-silico tools predict a benign effect of the variant on protein function. The variant was absent in 251154 control chromosomes. The available data on variant occurrences in the general population are insufficient to allow any conclusion about variant significance. To our knowledge, no occurrence of c.1405G>A in individuals affected with Hereditary Breast And Ovarian Cancer Syndrome and no experimental evidence demonstrating its impact on protein function have been reported. At-least one co-occurrence with another pathogenic variant has been observed at our laboratory (BRCA2 c.3599_3600delGT, p.Asp1199_Cys1200insTer), providing supporting evidence for a benign role. Five clinical diagnostic laboratories have submitted clinical-significance assessments for this variant to ClinVar after 2014 without evidence for independent evaluation (VUS, n=4). Based on the evidence outlined above, the variant was classified as uncertain significance.

GeneDx
Classification: Uncertain significance. Last evaluated: 2020-06-29. Review status: criteria provided, single submitter. Criteria: GeneDx Variant Classification Process June 2021. Collection method: clinical testing. Allele origin: germline. Affected: yes.
Comment: Not observed in large population cohorts (Lek et al., 2016); In silico analysis supports that this missense variant has a deleterious effect on protein structure/function; This variant is associated with the following publications: (PMID: 28726806)

Color Diagnostics, LLC DBA Color Health
Classification: Likely benign for Hereditary cancer-predisposing syndrome. Last evaluated: 2017-01-26. Review status: criteria provided, single submitter. Criteria: ACMG Guidelines, 2015. Collection method: clinical testing. Allele origin: germline.

Sharing Clinical Reports Project (SCRP)
Classification: Uncertain significance for Breast-ovarian cancer, familial 1. Last evaluated: 2009-05-06. Review status: no assertion criteria provided. Collection method: clinical testing. Allele origin: germline. Not counted in ClinVar's aggregate classification.

Department of Pathology and Laboratory Medicine, Sinai Health System
Classification: Uncertain significance for Breast-ovarian cancer, familial, susceptibility to, 1. Review status: no assertion criteria provided. Collection method: clinical testing. Allele origin: unknown. Affected: yes. Observed: 1 variant allele. Study: The Canadian Open Genetics Repository (COGR). Not counted in ClinVar's aggregate classification.
Comment: The BRCA1 p.Ala469Thr variant was not identified in the literature nor was it identified in the dbSNP, NHLBI Exome Sequencing Project (Exome Variant Server), HGMD, LOVD, COSMIC, UMD, or BIC databases. The variant was classified as a variant with uncertain significance by the Sharing Clinical Reports Project (SCRP) (submitted within the ClinVar database and derived from Myriad reports). The variant occurs outside of the splicing consensus sequence and in silico or computational prediction software programs (SpliceSiteFinder, MaxEntScan, NNSPLICE, GeneSplicer, HumanSpliceFinder) do not predict a difference in splicing. The p.Ala469Thr residue is not conserved in mammals and computational analyses (PolyPhen-2, SIFT, AlignGVGD, BLOSUM, MutationTaster) do not suggest a high likelihood of impact to the protein. However, this information is not predictive enough to rule out pathogenicity. In summary, based on the above information, the clinical significance of this variant cannot be determined with certainty at this time. This variant is classified as a variant of unknown significance.

Literature cited by the submitters: PubMed 31214711 (cited by Quest Diagnostics Nichols Institute San Juan Capistrano); PubMed 28726806 (cited by Quest Diagnostics Nichols Institute San Juan Capistrano); PubMed 34981296 (cited by Quest Diagnostics Nichols Institute San Juan Capistrano); PubMed 34326862 (cited by Quest Diagnostics Nichols Institute San Juan Capistrano and Ambry Genetics); PubMed 29884841 (cited by Quest Diagnostics Nichols Institute San Juan Capistrano); PubMed 32377563 (cited by Quest Diagnostics Nichols Institute San Juan Capistrano); PubMed 30287823 (cited by Quest Diagnostics Nichols Institute San Juan Capistrano); PubMed 31853058 (cited by Quest Diagnostics Nichols Institute San Juan Capistrano); PubMed 31911673 (cited by Quest Diagnostics Nichols Institute San Juan Capistrano).

NM_007294.4(BRCA1):c.1405G>A (p.Ala469Thr)

Gene: BRCA1 (BRCA1 DNA repair associated; minus strand). Cytogenetic location: 17q21.31.
Variant type: single nucleotide variant.
Coding change: c.1405G>A on transcript NM_007294.4 (MANE Select); coding-DNA position 1405, G replaced by A.
Protein change: p.Ala469Thr; replaces alanine 469 with threonine.
Molecular consequence: missense variant. On other transcripts: intron variant (137).
Genome position (GRCh38, 1-based): chr17:43,094,126, C>T on the plus strand (G>A on the coding strand, the complement: BRCA1 is on the minus strand). VCF-style: chr17-43094126-C-T. GRCh37 (hg19) VCF-style: chr17-41246143-C-T.
Other names: 1524G>A; c.1192G>A, p.Ala398Thr (NM_001407571.1, NM_001407853.1, NM_001407894.1 and 9 more transcripts); c.1405G>A, p.Ala469Thr (NM_001407581.1, NM_001407582.1, NM_001407583.1 and 30 more transcripts); c.1402G>A, p.Ala468Thr (NM_001407587.1, NM_001407590.1, NM_001407591.1 and 22 more transcripts); c.1396G>A, p.Ala466Thr (NM_001407646.1, NM_001407647.1); c.1282G>A, p.Ala428Thr (NM_001407648.1, NM_001407664.1, NM_001407665.1 and 19 more transcripts); c.1279G>A, p.Ala427Thr (NM_001407649.1, NM_001407670.1, NM_001407671.1 and 11 more transcripts); c.1327G>A, p.Ala443Thr (NM_001407653.1, NM_001407654.1, NM_001407655.1 and 4 more transcripts); and 41 more; short protein forms A469T, A422T, A173T, A398T, A421T, A427T, A443T, A466T.
Identifiers: ClinVar variation 37411 (VCV000037411.36), dbSNP rs397507187, ClinGen allele CA000948.
Genomic context (GRCh38, chr17:43,094,126, plus strand): 5'-CAGTAACAAATGCTCCTATAATTAGATTTTCAGTTACATGGCTTAAGTTGGGGAGGCTTG[C>T]CTTCTTCCGATAGGTTTTCCCAAATATTTTGTCTTCAATATTACTCTCTACTGATTTGGA-3'
Protein context (NP_009225.1, residues 459-479): KIFGKTYRKK[Ala469Thr]SLPNLSHVTE